The following is an entry in ClinVar:

NM_015338.6(ASXL1):c.3196G>A (p.Val1066Met)

Gene: ASXL1 (ASXL transcriptional regulator 1; plus strand). Cytogenetic location: 20q11.21.
Variant type: single nucleotide variant.
Coding change: c.3196G>A on transcript NM_015338.6 (MANE Select); coding-DNA position 3196, G replaced by A.
Protein change: p.Val1066Met; replaces valine 1066 with methionine.
Molecular consequence: missense variant.
Genome position (GRCh38, 1-based): chr20:32,435,908, G>A. VCF-style: chr20-32435908-G-A. GRCh37 (hg19) VCF-style: chr20-31023711-G-A.
Other names: c.3013G>A, p.Val1005Met (NM_001363734.1); short protein forms V1005M, V1066M.
Identifiers: ClinVar variation 4587525 (VCV004587525.1).

ClinVar aggregate classification (germline): Uncertain significance (1 of 4 stars; one submission).

Conditions:
Inborn genetic diseases. Identifiers: MedGen C0950123, MeSH D030342.

Submission:

Ambry Genetics
Classification: Uncertain significance for Inborn genetic diseases. Last evaluated: 2025-10-02. Review status: criteria provided, single submitter. Criteria: Ambry Variant Classification Scheme 2023. Collection method: clinical testing. Allele origin: germline.
Comment: The p.V1066M variant (also known as c.3196G>A), located in coding exon 13 of the ASXL1 gene, results from a G to A substitution at nucleotide position 3196. The valine at codon 1066 is replaced by methionine, an amino acid with highly similar properties. This amino acid position is conserved. In addition, this alteration is predicted to be tolerated by in silico analysis. Based on the available evidence, the clinical significance of this variant remains unclear.